The following is an entry in ClinVar:

ClinVar aggregate classification (germline): Uncertain significance. Review status: criteria provided, multiple submitters, no conflicts (2 of 4 stars). 2 submissions from 2 submitters: Uncertain significance (2). Last evaluated 2024-09-23.

gnomAD v4.1: 18 of 1,613,910 alleles (0.0011%); highest among the groups gnomAD compares: Non-Finnish European, 0.0015%; no homozygotes.

Submissions (2):

Women's Health and Genetics/Laboratory Corporation of America, LabCorp
Classification: Uncertain significance. Last evaluated: 2024-09-23. Review status: criteria provided, single submitter. Criteria: LabCorp Variant Classification Summary - May 2015. Collection method: clinical testing. Allele origin: germline.
Comment: Variant summary: ABCC8 c.2983A>G (p.Ile995Val) results in a conservative amino acid change in the encoded protein sequence. Four of five in-silico tools predict a benign effect of the variant on protein function. The variant allele was found at a frequency of 8.1e-06 in 247768 control chromosomes. The available data on variant occurrences in the general population are insufficient to allow any conclusion about variant significance. c.2983A>G has been reported in the literature in at least one case in a Diabetes cohort (e.g., Bonnefond_2020), however without strong evidence for causality (e.g., lack of co-segregation data). These report(s) do not provide unequivocal conclusions about association of the variant with Familial Hyperinsulinism. To our knowledge, no experimental evidence demonstrating an impact on protein function has been reported. The following publication was ascertained in the context of this evaluation (PMID: 33046911). No submitters have cited clinical-significance assessments for this variant to ClinVar. Based on the evidence outlined above, the variant was classified as uncertain significance.

Labcorp Genetics (formerly Invitae), Labcorp
Classification: Uncertain significance. Last evaluated: 2024-03-12. Review status: criteria provided, single submitter. Criteria: Invitae Variant Classification Sherloc (09022015). Collection method: clinical testing. Allele origin: germline.
Comment: This sequence change replaces isoleucine, which is neutral and non-polar, with valine, which is neutral and non-polar, at codon 995 of the ABCC8 protein (p.Ile995Val). This variant is present in population databases (rs773652615, gnomAD 0.003%). This variant has not been reported in the literature in individuals affected with ABCC8-related conditions. Advanced modeling of protein sequence and biophysical properties (such as structural, functional, and spatial information, amino acid conservation, physicochemical variation, residue mobility, and thermodynamic stability) performed at Invitae indicates that this missense variant is not expected to disrupt ABCC8 protein function with a negative predictive value of 95%. In summary, the available evidence is currently insufficient to determine the role of this variant in disease. Therefore, it has been classified as a Variant of Uncertain Significance.

Literature cited by the submitters: PubMed 33046911 (cited by Women's Health and Genetics/Laboratory Corporation of America, LabCorp).

NM_000352.6(ABCC8):c.2983A>G (p.Ile995Val)

Gene: ABCC8 (ATP binding cassette subfamily C member 8; minus strand). Cytogenetic location: 11p15.1.
Variant type: single nucleotide variant.
Coding change: c.2983A>G on transcript NM_000352.6 (MANE Select); coding-DNA position 2983, A replaced by G.
Protein change: p.Ile995Val; replaces isoleucine 995 with valine.
Molecular consequence: missense variant. On other transcripts: non-coding transcript variant (1).
Genome position (GRCh38, 1-based): chr11:17,407,067, T>C on the plus strand (A>G on the coding strand, the complement: ABCC8 is on the minus strand). VCF-style: chr11-17407067-T-C. GRCh37 (hg19) VCF-style: chr11-17428614-T-C.
Other names: c.2986A>G, p.Ile996Val (NM_001287174.3); c.3049A>G, p.Ile1017Val (NM_001351295.2); c.2983A>G, p.Ile995Val (NM_001351296.2); c.2980A>G, p.Ile994Val (NM_001351297.2); short protein forms I1017V, I994V, I995V, I996V.
Identifiers: ClinVar variation 3375278 (VCV003375278.3).